The following is an entry in ClinVar:

NM_000038.6(APC):c.5376T>G (p.Asn1792Lys)

Gene: APC (APC regulator of Wnt signaling pathway; plus strand). Cytogenetic location: 5q22.2.
Variant type: single nucleotide variant.
Coding change: c.5376T>G on transcript NM_000038.6 (MANE Select); coding-DNA position 5376, T replaced by G.
Protein change: p.Asn1792Lys; replaces asparagine 1792 with lysine.
Molecular consequence: missense variant.
Genome position (GRCh38, 1-based): chr5:112,840,970, T>G. VCF-style: chr5-112840970-T-G. GRCh37 (hg19) VCF-style: chr5-112176667-T-G.
Other names: c.5376T>G (NM_000038.5); c.5376T>G, p.Asn1792Lys (NM_001127510.3, NM_001354895.2, NM_001407450.1); c.5322T>G, p.Asn1774Lys (NM_001127511.3); c.5430T>G, p.Asn1810Lys (NM_001354896.2, NM_001407447.1, NM_001407448.1 and 1 more transcripts); c.5406T>G, p.Asn1802Lys (NM_001354897.2); c.5301T>G, p.Asn1767Lys (NM_001354898.2); c.5292T>G, p.Asn1764Lys (NM_001354899.2); c.5253T>G, p.Asn1751Lys (NM_001354900.2); and 12 more; short protein forms N1408K, N1691K, N1701K, N1709K, N1764K, N1785K, N1802K, N1820K.
Identifiers: ClinVar variation 2049800 (VCV002049800.6), dbSNP rs76364845, ClinGen allele CA16033080.
Genomic context (GRCh38, chr5:112,840,970, plus strand): 5'-AACTTCACCAGTAAAACCTATACCACAAAATACTGAATATAGGACACGTGTAAGAAAAAA[T>G]GCAGACTCAAAAAATAATTTAAATGCTGAGAGAGTTTTCTCAGACAACAAAGATTCAAAG-3'
Protein context (NP_000029.2, residues 1782-1802): NTEYRTRVRK[Asn1792Lys]ADSKNNLNAE

ClinVar aggregate classification (germline): Uncertain significance. Review status: criteria provided, multiple submitters, no conflicts (2 of 4 stars). 2 submissions from 2 submitters: Uncertain significance (2). Last evaluated 2023-02-15.

Conditions:
Hereditary cancer-predisposing syndrome. Also called: Hereditary neoplastic syndrome; Neoplastic Syndromes, Hereditary; Tumor predisposition; Hereditary Cancer Syndrome. Identifiers: Orphanet 140162, MedGen C0027672, MeSH D009386, MONDO:0015356.
Familial adenomatous polyposis 1 (FAP1). Also called: POLYPOSIS, ADENOMATOUS INTESTINAL; FAMILIAL ADENOMATOUS POLYPOSIS 1, ATTENUATED. Identifiers: MedGen C2713442, MONDO:0021056, OMIM 175100. Disease mechanism: loss of function.

Submissions (2):

Ambry Genetics
Classification: Uncertain significance for Hereditary cancer-predisposing syndrome. Last evaluated: 2023-02-15. Review status: criteria provided, single submitter. Criteria: Ambry Variant Classification Scheme 2023. Collection method: clinical testing. Allele origin: germline.
Comment: The p.N1792K variant (also known as c.5376T>G), located in coding exon 15 of the APC gene, results from a T to G substitution at nucleotide position 5376. The asparagine at codon 1792 is replaced by lysine, an amino acid with similar properties. This amino acid position is not well conserved in available vertebrate species. In addition, in silico predictors for this gene do not accurately predict pathogenicity. Since supporting evidence is limited at this time, the clinical significance of this alteration remains unclear.

Labcorp Genetics (formerly Invitae), Labcorp
Classification: Uncertain significance for Familial adenomatous polyposis 1. Last evaluated: 2021-12-20. Review status: criteria provided, single submitter. Criteria: Invitae Variant Classification Sherloc (09022015). Collection method: clinical testing. Allele origin: germline.
Comment: In summary, the available evidence is currently insufficient to determine the role of this variant in disease. Therefore, it has been classified as a Variant of Uncertain Significance. Algorithms developed to predict the effect of missense changes on protein structure and function (SIFT, PolyPhen-2, Align-GVGD) all suggest that this variant is likely to be tolerated. This variant has not been reported in the literature in individuals affected with APC-related conditions. This variant is not present in population databases (gnomAD no frequency). This sequence change replaces asparagine, which is neutral and polar, with lysine, which is basic and polar, at codon 1792 of the APC protein (p.Asn1792Lys).